The following is an entry in ClinVar:

ClinVar aggregate classification (germline): Likely benign. Review status: criteria provided, single submitter (1 of 4 stars). 2 submissions from 2 submitters: Likely benign (1). 1 of the submissions does not count toward it. Last evaluated 2022-03-05.

Conditions:
DYSF-related disorder. Also called: DYSF-related disorders; DYSF-related condition.
Neuromuscular disease caused by qualitative or quantitative defects of dysferlin. Also called: Qualitative or quantitative defects of dysferlin; Dysferlinopathy. Identifiers: Orphanet 207073, MedGen C2931687, MONDO:0016145.

Allele frequency attached by ClinVar (database versions not stated): TOPMed below 0.00001; gnomAD exomes 0.00001.

Submissions (2):

Labcorp Genetics (formerly Invitae), Labcorp
Classification: Likely benign for Neuromuscular disease caused by qualitative or quantitative defects of dysferlin. Last evaluated: 2022-03-05. Review status: criteria provided, single submitter. Criteria: Invitae Variant Classification Sherloc (09022015). Collection method: clinical testing. Allele origin: germline.

PreventionGenetics, part of Exact Sciences
Classification: Likely benign for DYSF-related condition. Last evaluated: 2019-04-09. Review status: no assertion criteria provided. Collection method: clinical testing. Allele origin: germline. Not counted in ClinVar's aggregate classification.
Comment: This variant is classified as likely benign based on ACMG/AMP sequence variant interpretation guidelines (Richards et al. 2015 PMID: 25741868, with internal and published modifications).

NM_001130987.2(DYSF):c.1896G>A (p.Glu632=)

Gene: DYSF (dysferlin; plus strand). Cytogenetic location: 2p13.2.
Variant type: single nucleotide variant.
Coding change: c.1896G>A on transcript NM_001130987.2 (MANE Select); coding-DNA position 1896, G replaced by A.
Protein change: p.Glu632=; no amino-acid change (glutamic acid 632 retained).
Molecular consequence: synonymous variant.
Genome position (GRCh38, 1-based): chr2:71,553,100, G>A. VCF-style: chr2-71553100-G-A. GRCh37 (hg19) VCF-style: chr2-71780230-G-A.
Other names: c.1845G>A, p.Glu615= (NM_001130455.2, NM_001130983.2); c.1800G>A, p.Glu600= (NM_001130976.2, NM_001130977.2); c.1842G>A, p.Glu614= (NM_001130978.2, NM_003494.4); c.1935G>A, p.Glu645= (NM_001130979.2); c.1893G>A, p.Glu631= (NM_001130980.2, NM_001130981.2); c.1938G>A, p.Glu646= (NM_001130982.2); c.1803G>A, p.Glu601= (NM_001130984.2, NM_001130986.2); c.1896G>A, p.Glu632= (NM_001130985.2).
Identifiers: ClinVar variation 743892 (VCV000743892.12), dbSNP rs1360936643, ClinGen allele CA426701315.